The following is an entry in ClinVar:

ClinVar aggregate classification (germline): Likely benign (1 of 4 stars; one submission).

Allele frequency attached by ClinVar (database versions not stated): gnomAD 0.01494 and 0.01383; TOPMed 0.01390; 1000 Genomes Project 0.01777; 1000 Genomes Project 30x 0.01702.

Submission:

GeneDx
Classification: Likely benign. Last evaluated: 2018-06-16. Review status: criteria provided, single submitter. Criteria: GeneDx Variant Classification (06012015). Collection method: clinical testing. Allele origin: germline. Affected: yes.
Comment: This variant is considered likely benign or benign based on one or more of the following criteria: it is a conservative change, it occurs at a poorly conserved position in the protein, it is predicted to be benign by multiple in silico algorithms, and/or has population frequency not consistent with disease.

NM_000090.3(COL3A1):c.-416A>G

Gene: COL3A1 (collagen type III alpha 1 chain; plus strand). Cytogenetic location: 2q32.2.
Variant type: single nucleotide variant.
Coding change: c.-416A>G on transcript NM_000090.3; 416 bases upstream of the start codon, A replaced by G.
Genome position (GRCh38, 1-based): chr2:188,974,074, A>G. VCF-style: chr2-188974074-A-G. GRCh37 (hg19) VCF-style: chr2-189838800-A-G.
Identifiers: ClinVar variation 669800 (VCV000669800.3), dbSNP rs13306264, ClinGen allele CA62576723.